The following is an entry in ClinVar:

NM_001040108.2(MLH3):c.1466A>T (p.Lys489Ile)

Gene: MLH3 (mutL homolog 3; minus strand). Cytogenetic location: 14q24.3.
Variant type: single nucleotide variant.
Coding change: c.1466A>T on transcript NM_001040108.2 (MANE Select); coding-DNA position 1466, A replaced by T.
Protein change: p.Lys489Ile; replaces lysine 489 with isoleucine.
Molecular consequence: missense variant.
Genome position (GRCh38, 1-based): chr14:75,048,190, T>A on the plus strand (A>T on the coding strand, the complement: MLH3 is on the minus strand). VCF-style: chr14-75048190-T-A. GRCh37 (hg19) VCF-style: chr14-75514893-T-A.
Other names: c.1466A>T, p.Lys489Ile (NM_014381.3); short protein forms K489I.
Identifiers: ClinVar variation 3396661 (VCV003396661.1).
Genomic context (GRCh38, chr14:75,048,190, plus strand): 5'-AAAAACATTTCTAAACTGGTTCCACACGGATTTTCTAAAGAGCTATGTTCCAGGAAAGAT[T>A]TTTTATGTTTCTCATTTTCTCCAGCTTCTGATGCTACAATTGTCTCTTGTTCTAACATCT-3'
Protein context (NP_001035197.1, residues 479-499): SEAGENEKHK[Lys489Ile]SFLEHSSLEN

ClinVar aggregate classification (germline): Uncertain significance (1 of 4 stars; one submission).

gnomAD v4.1: 1 of 1,613,742 alleles (0.000062%); highest among the groups gnomAD compares: Non-Finnish European, 0.000085%; no homozygotes.

Submission:

Ambry Genetics
Classification: Uncertain significance. Last evaluated: 2024-07-03. Review status: criteria provided, single submitter. Criteria: Ambry Variant Classification Scheme 2023. Collection method: clinical testing. Allele origin: germline.
Comment: The p.K489I variant (also known as c.1466A>T), located in coding exon 1 of the MLH3 gene, results from an A to T substitution at nucleotide position 1466. The lysine at codon 489 is replaced by isoleucine, an amino acid with dissimilar properties. This amino acid position is conserved. In addition, this alteration is predicted to be tolerated by in silico analysis. Based on the available evidence, the clinical significance of this variant remains unclear.